The following is an entry in ClinVar:

NM_001024630.4(RUNX2):c.217del (p.Ala73fs)

Genes: RUNX2 (RUNX family transcription factor 2; plus strand), LOC109611589 (runt related transcription factor 2 polyalanine expansion region; plus strand). Cytogenetic location: 6p21.1.
Variant type: Deletion.
Coding change: c.217del on transcript NM_001024630.4 (MANE Select); coding-DNA position 217, one base deleted (G; older notation c.217delG).
Protein change: p.Ala73fs; shifts the reading frame from alanine 73.
Molecular consequence: frameshift variant.
Genome position (GRCh38, 1-based): chr6:45,422,751, G deleted; the last of 2 consecutive G bases (chr6:45,422,750-45,422,751); deleting either gives the same sequence. VCF-style (leftmost placement, unchanged base first): chr6-45422749-AG-A. GRCh37 (hg19) VCF-style: chr6-45390486-AG-A.
Other names: c.217del, p.Ala73fs (NM_001015051.4); c.175del, p.Ala59fs (NM_001278478.2, NM_001369405.1); short protein forms A59fs, A73fs.
Identifiers: ClinVar variation 548612 (VCV000548612.7), dbSNP rs1554384228, ClinGen allele CA658821863.
Genomic context (GRCh38, chr6:45,422,749, plus strand): 5'-AGCAACAGCAGCAGCAGCAACAGCAGCAGCAGCAGCAGCAACAGCAGCAGCAGCAGCAGG[AG>A]GCGGCGGCGGCGGCTGCGGCGGCGGCGGCGGCTGCGGCGGCGGCAGCTGCAGTGCCCCGG-3'

ClinVar aggregate classification (germline): Conflicting classifications of pathogenicity. Review status: criteria provided, conflicting classifications (1 of 4 stars). 3 submissions from 2 submitters: Pathogenic (2); Uncertain significance (1). Last evaluated 2024-06-06.

Conditions:
Metaphyseal dysplasia-maxillary hypoplasia-brachydacty syndrome. Also called: Metaphyseal dysplasia with maxillary hypoplasia with or without brachydactyly; METAPHYSEAL DYSPLASIA AND MAXILLARY HYPOPLASIA WITH OR WITHOUT BRACHYDACTYLY; Metaphyseal dysplasia with maxillary hypoplasia and brachydactyly. Identifiers: Orphanet 2504, MedGen C3549874, MONDO:0007984, OMIM 156510.
Cleidocranial dysostosis (CLCD1). Also called: cleidocranial dysplasia 1; Marie-Sainton disease; Cleidocranial Dysplasia Spectrum Disorder. Identifiers: Orphanet 1452, MedGen C0008928, MONDO:0007340, OMIM 119600.

Submissions (3):

Labcorp Genetics (formerly Invitae), Labcorp
Classification: Pathogenic. Last evaluated: 2024-06-06. Review status: criteria provided, single submitter. Criteria: Invitae Variant Classification Sherloc (09022015). Collection method: clinical testing. Allele origin: germline.
Comment: This sequence change creates a premature translational stop signal (p.Ala73Argfs*71) in the RUNX2 gene. It is expected to result in an absent or disrupted protein product. Loss-of-function variants in RUNX2 are known to be pathogenic (PMID: 10521292, 11857736). This variant is not present in population databases (gnomAD no frequency). This variant has not been reported in the literature in individuals affected with RUNX2-related conditions. ClinVar contains an entry for this variant (Variation ID: 548612). For these reasons, this variant has been classified as Pathogenic.

Genomic Research Center, Shahid Beheshti University of Medical Sciences
Classification: Uncertain significance for Cleidocranial dysostosis. Last evaluated: 2018-03-05. Review status: criteria provided, single submitter. Criteria: ACMG Guidelines, 2015. Collection method: clinical testing. Allele origin: inherited. Affected: yes. Observed: 1 variant allele.

Genomic Research Center, Shahid Beheshti University of Medical Sciences
Classification: Pathogenic for Metaphyseal dysplasia-maxillary hypoplasia-brachydacty syndrome. Last evaluated: 2018-03-05. Review status: criteria provided, single submitter. Criteria: ACMG Guidelines, 2015. Collection method: clinical testing. Allele origin: inherited. Affected: yes. Observed: 1 variant allele.

Literature cited by the submitters: PubMed 10521292 (cited by Labcorp Genetics (formerly Invitae), Labcorp); PubMed 11857736 (cited by Labcorp Genetics (formerly Invitae), Labcorp).